The following is an entry in ClinVar:

ClinVar aggregate classification (germline): Uncertain significance (1 of 4 stars; one submission).

Conditions:
Cardiovascular phenotype. Identifiers: MedGen CN230736.

Submission:

Ambry Genetics
Classification: Uncertain significance for Cardiovascular phenotype. Last evaluated: 2023-12-11. Review status: criteria provided, single submitter. Criteria: Ambry Variant Classification Scheme 2023. Collection method: clinical testing. Allele origin: germline.
Comment: The p.M716R variant (also known as c.2147T>G), located in coding exon 13 of the JUP gene, results from a T to G substitution at nucleotide position 2147. The methionine at codon 716 is replaced by arginine, an amino acid with similar properties. This amino acid position is conserved. In addition, the in silico prediction for this alteration is inconclusive. Since supporting evidence is limited at this time, the clinical significance of this alteration remains unclear.

NM_002230.4(JUP):c.2147T>G (p.Met716Arg)

Gene: JUP (junction plakoglobin; minus strand). Cytogenetic location: 17q21.2.
Variant type: single nucleotide variant.
Coding change: c.2147T>G on transcript NM_002230.4 (MANE Select); coding-DNA position 2147, T replaced by G.
Protein change: p.Met716Arg; replaces methionine 716 with arginine.
Molecular consequence: missense variant.
Genome position (GRCh38, 1-based): chr17:41,755,835, A>C on the plus strand (T>G on the coding strand, the complement: JUP is on the minus strand). VCF-style: chr17-41755835-A-C. GRCh37 (hg19) VCF-style: chr17-39912087-A-C.
Other names: c.2147T>G, p.Met716Arg (NM_001352773.2, NM_001352774.2, NM_001352775.2 and 3 more transcripts); short protein forms M716R.
Identifiers: ClinVar variation 3222008 (VCV003222008.1), dbSNP rs2544007971, ClinGen allele CA399490567.